The following is an entry in ClinVar:

NM_001164508.2(NEB):c.24267_24270del (p.Arg8090fs)

Genes: NEB (nebulin; minus strand), RIF1 (replication timing regulatory factor 1; plus strand). Cytogenetic location: 2q23.3.
Variant type: Deletion.
Coding change: c.24267_24270del on transcript NM_001164508.2 (MANE Select); coding-DNA positions 24267 to 24270, 4 bases deleted (AAGA; older notation c.24267_24270delAAGA).
Protein change: p.Arg8090fs; shifts the reading frame from arginine 8090.
Molecular consequence: frameshift variant. On other transcripts: intron variant (1).
Genome position (GRCh38, 1-based): chr2:151,497,656-151,497,659, TCTT deleted on the plus strand (AAGA on the coding strand, the reverse complement: NEB is on the minus strand); deleting any 4 consecutive bases within chr2:151,497,656-151,497,661 gives the same sequence; the c. name uses the placement nearest the transcript's 3' end. VCF-style (leftmost placement, unchanged base first): chr2-151497655-CTCTT-C. GRCh37 (hg19) VCF-style: chr2-152354169-CTCTT-C.
Other names: c.24372_24375del (NM_001271208.1); c.24267_24270del, p.Arg8090fs (NM_001164507.2); c.24372_24375del, p.Arg8125fs (NM_001271208.2); c.18826-1291_18826-1288del (NM_004543.5); short protein forms R8090fs, R8125fs.
Identifiers: ClinVar variation 552268 (VCV000552268.20), dbSNP rs747564597, ClinGen allele CA1906112.
Genomic context (GRCh38, chr2:151,497,655, plus strand): 5'-AAGTAGTTTTTTTCTTTTCTTGCCAAAGTACCGAGCTAATATTTTCTTGATTGTGTTTGA[CTCTT>C]TCCATCTCGGGAGTGACAGGTAAAGGGGTTCCCTTGCCCATGTTTTCTTTGTATAACACC-3'

ClinVar aggregate classification (germline): Pathogenic/Likely pathogenic. Review status: criteria provided, multiple submitters, no conflicts (2 of 4 stars). 7 submissions from 7 submitters: Pathogenic (4); Likely pathogenic (1). 2 of the submissions do not count toward it. Last evaluated 2025-12-03.

Conditions:
Arthrogryposis multiplex congenita 6. Identifiers: MedGen C5543431, MONDO:0030281, OMIM 619334.
Nemaline myopathy 2 (NEM2). Also called: Nemaline myopathy 2, autosomal recessive. Identifiers: MedGen C1850569, MONDO:0009725, OMIM 256030.
NEB-related disorder. Also called: NEB-related condition; NEB-Related Disorders.

Submissions (7):

Natera, Inc.
Classification: Pathogenic for Nemaline myopathy type 2. Last evaluated: 2025-12-03. Review status: criteria provided, single submitter. Criteria: Natera Variant Classification Schema (03/2026). Collection method: clinical testing. Allele origin: germline.
Comment: The c.24372_24375del variant in NEB is a frameshift variant predicted to shift the reading frame beginning at codon 8125 and leads to a stop codon 54 codons downstream. This variant is expected to result in nonsense mediated decay, truncation, or a dysfunctional protein product. This variant is rare in the general population with a frequency below the threshold expected for the associated phenotype(s). This variant has been observed in one or more individuals affected with the associated recessive disease, as either homozygous or compound heterozygous with a second variant (PMID: 25205138, 26197980). Given the available evidence, this variant is classified as Pathogenic.

GeneDx
Classification: Likely pathogenic. Last evaluated: 2025-11-29. Review status: criteria provided, single submitter. Criteria: GeneDx Variant Classification Process June 2021. Collection method: clinical testing. Allele origin: germline.
Comment: Reported in a proband with typical nemaline myopathy in the published literature (PMID: 25205138); Frameshift variant predicted to result in protein truncation or nonsense mediated decay in a gene for which loss of function is a known mechanism of disease; Not observed at significant frequency in large population cohorts (gnomAD); This variant is associated with the following publications: (PMID: 38544359, 25205138)

Baylor Genetics
Classification: Pathogenic for Arthrogryposis multiplex congenita 6. Last evaluated: 2024-03-12. Review status: criteria provided, single submitter. Criteria: ACMG Guidelines, 2015. Collection method: clinical testing. Allele origin: unknown.

Labcorp Genetics (formerly Invitae), Labcorp
Classification: Pathogenic for Nemaline myopathy 2. Last evaluated: 2024-01-10. Review status: criteria provided, single submitter. Criteria: Invitae Variant Classification Sherloc (09022015). Collection method: clinical testing. Allele origin: germline.
Comment: This sequence change creates a premature translational stop signal (p.Arg8125Serfs*54) in the NEB gene. It is expected to result in an absent or disrupted protein product. Loss-of-function variants in NEB are known to be pathogenic (PMID: 25205138). This variant is present in population databases (rs747564597, gnomAD 0.009%). This premature translational stop signal has been observed in individual(s) with nemaline myopathy (PMID: 25205138, 26197980). In at least one individual the data is consistent with being in trans (on the opposite chromosome) from a pathogenic variant. ClinVar contains an entry for this variant (Variation ID: 552268). For these reasons, this variant has been classified as Pathogenic.

Department of Pathology and Laboratory Medicine, Sinai Health System
Classification: Pathogenic for Arthrogryposis multiplex congenita 6; Nemaline myopathy 2. Last evaluated: 2021-05-07. Review status: criteria provided, single submitter. Criteria: ACMG Guidelines, 2015. Collection method: research. Allele origin: germline.

PreventionGenetics, part of Exact Sciences
Classification: Pathogenic for NEB-related condition. Last evaluated: 2024-03-20. Review status: no assertion criteria provided. Collection method: clinical testing. Allele origin: germline. Not counted in ClinVar's aggregate classification.
Comment: The NEB c.24372_24375delAAGA variant is predicted to result in a frameshift and premature protein termination (p.Arg8125Serfs*54). This variant was reported in individuals with nemaline myopathy (Supp. Table S1 in Lehtokari et al 2014. PubMed ID: 25205138; Kiiski et al. 2015. PubMed ID: 26197980). This variant is reported in 0.0091% of alleles in individuals of African descent in gnomAD. Frameshift variants in NEB are expected to be pathogenic. This variant is interpreted as pathogenic.

Counsyl
Classification: Pathogenic for Nemaline myopathy 2. Last evaluated: 2017-06-21. Review status: no assertion criteria provided. Collection method: clinical testing. Allele origin: unknown. Not counted in ClinVar's aggregate classification.

Literature cited by the submitters: PubMed 25205138 (cited by 3 submitters); PubMed 26197980 (cited by 3 submitters).